The following is an entry in ClinVar:

NM_001190.4(BCAT2):c.775G>A (p.Asp259Asn)

Gene: BCAT2 (branched chain amino acid transaminase 2; minus strand). Cytogenetic location: 19q13.33.
Variant type: single nucleotide variant.
Coding change: c.775G>A on transcript NM_001190.4 (MANE Select); coding-DNA position 775, G replaced by A.
Protein change: p.Asp259Asn; replaces aspartic acid 259 with asparagine.
Molecular consequence: missense variant.
Genome position (GRCh38, 1-based): chr19:48,797,254, C>T on the plus strand (G>A on the coding strand, the complement: BCAT2 is on the minus strand). VCF-style: chr19-48797254-C-T. GRCh37 (hg19) VCF-style: chr19-49300511-C-T.
Other names: c.499G>A, p.Asp167Asn (NM_001164773.2); c.655G>A, p.Asp219Asn (NM_001284325.2); c.775G>A (NM_001190.3); short protein forms D167N, D259N, D219N.
Identifiers: ClinVar variation 2039684 (VCV002039684.5), dbSNP rs147444595, ClinGen allele CA9558321.

ClinVar aggregate classification (germline): Uncertain significance. Review status: criteria provided, multiple submitters, no conflicts (2 of 4 stars). 2 submissions from 2 submitters: Uncertain significance (2). Last evaluated 2024-06-02.

Allele frequency attached by ClinVar (database versions not stated): gnomAD exomes 0.00003; TOPMed 0.00006; ExAC 0.00007; gnomAD 0.00003; ESP Exome Variant Server 0.00008.
gnomAD v4.1: 54 of 1,613,854 alleles (0.0033%); highest among the groups gnomAD compares: East Asian, 0.027%; no homozygotes.

Submissions (2):

Ambry Genetics
Classification: Uncertain significance. Last evaluated: 2024-06-02. Review status: criteria provided, single submitter. Criteria: Ambry Variant Classification Scheme 2023. Collection method: clinical testing. Allele origin: germline.

Labcorp Genetics (formerly Invitae), Labcorp
Classification: Uncertain significance. Last evaluated: 2022-07-21. Review status: criteria provided, single submitter. Criteria: Invitae Variant Classification Sherloc (09022015). Collection method: clinical testing. Allele origin: germline.
Comment: In summary, the available evidence is currently insufficient to determine the role of this variant in disease. Therefore, it has been classified as a Variant of Uncertain Significance. Algorithms developed to predict the effect of missense changes on protein structure and function (SIFT, PolyPhen-2, Align-GVGD) all suggest that this variant is likely to be tolerated. This variant has not been reported in the literature in individuals affected with BCAT2-related conditions. This variant is present in population databases (rs147444595, gnomAD 0.04%). This sequence change replaces aspartic acid, which is acidic and polar, with asparagine, which is neutral and polar, at codon 259 of the BCAT2 protein (p.Asp259Asn).